The following is an entry in ClinVar:

ClinVar aggregate classification (germline): Uncertain significance (1 of 4 stars; one submission).

Conditions:
Congenital disorder of glycosylation, type Iaa. Also called: Congenital disorder of glycosylation, type 1aa. Identifiers: MedGen C4310727, MONDO:0014904, OMIM 617082.

Allele frequency attached by ClinVar (database versions not stated): gnomAD exomes below 0.00001; gnomAD 0.00001; TOPMed 0.00001.
gnomAD v4.1: 6 of 1,606,294 alleles (0.00037%); highest among the groups gnomAD compares: Non-Finnish European, 0.00051%; no homozygotes.

Submission:

Labcorp Genetics (formerly Invitae), Labcorp
Classification: Uncertain significance for Congenital disorder of glycosylation, type Iaa. Last evaluated: 2025-07-30. Review status: criteria provided, single submitter. Criteria: Invitae Variant Classification Sherloc (09022015). Collection method: clinical testing. Allele origin: germline.
Comment: This sequence change replaces valine, which is neutral and non-polar, with isoleucine, which is neutral and non-polar, at codon 264 of the NUS1 protein (p.Val264Ile). This variant is not present in population databases (gnomAD no frequency). This missense change has been observed in individual(s) with Parkinson disease (PMID: 30348779). ClinVar contains an entry for this variant (Variation ID: 568373). An algorithm developed to predict the effect of missense changes on protein structure and function outputs the following: PolyPhen-2: "Benign". The isoleucine amino acid residue is found in multiple mammalian species, which suggests that this missense change does not adversely affect protein function. In summary, the available evidence is currently insufficient to determine the role of this variant in disease. Therefore, it has been classified as a Variant of Uncertain Significance.

Literature cited by the submitters: PubMed 30348779.

NM_138459.5(NUS1):c.790G>A (p.Val264Ile)

Gene: NUS1 (NUS1 dehydrodolichyl diphosphate synthase subunit; plus strand). Cytogenetic location: 6q22.1.
Variant type: single nucleotide variant.
Coding change: c.790G>A on transcript NM_138459.5 (MANE Select); coding-DNA position 790, G replaced by A.
Protein change: p.Val264Ile; replaces valine 264 with isoleucine.
Molecular consequence: missense variant.
Genome position (GRCh38, 1-based): chr6:117,703,703, G>A. VCF-style: chr6-117703703-G-A. GRCh37 (hg19) VCF-style: chr6-118024866-G-A.
Other names: short protein forms V264I.
Identifiers: ClinVar variation 568373 (VCV000568373.8), dbSNP rs1562183021, ClinGen allele CA365537471.